The following is an entry in ClinVar:

NM_005629.4(SLC6A8):c.1602C>G (p.Ile534Met)

Gene: SLC6A8 (solute carrier family 6 member 8; plus strand). Cytogenetic location: Xq28.
Variant type: single nucleotide variant.
Coding change: c.1602C>G on transcript NM_005629.4 (MANE Select); coding-DNA position 1602, C replaced by G.
Protein change: p.Ile534Met; replaces isoleucine 534 with methionine.
Molecular consequence: missense variant.
Genome position (GRCh38, 1-based): chrX:153,694,724, C>G. VCF-style: chrX-153694724-C-G. GRCh37 (hg19) VCF-style: chrX-152960179-C-G.
Other names: c.1572C>G, p.Ile524Met (NM_001142805.2); c.1257C>G, p.Ile419Met (NM_001142806.1); short protein forms I419M, I524M, I534M.
Identifiers: ClinVar variation 1118028 (VCV001118028.10), dbSNP rs782582776, ClinGen allele CA10549597.

ClinVar aggregate classification (germline): Likely benign. Review status: criteria provided, multiple submitters, no conflicts (2 of 4 stars). 2 submissions from 2 submitters: Likely benign (2). Last evaluated 2026-04-03.

Conditions:
Creatine transporter deficiency (CCDS1). Also called: Creatine Transporter (CRTR) Deficiency; Mental retardation , X-linked with seizures, short stature and midface hypoplasia; Mental retardation , X-linked, with creatine transport deficiency; X-linked creatine transporter deficiency; X-linked creatine deficiency syndrome; SLC6A8-Related Creatine Transporter Deficiency. Identifiers: Orphanet 52503, MedGen C1845862, MONDO:0010305, OMIM 300352.

Allele frequency attached by ClinVar (database versions not stated): TOPMed below 0.00001; gnomAD 0.00001; ExAC 0.00002; gnomAD exomes 0.00003.
gnomAD v4.1: 60 of 1,209,579 alleles (0.005%); highest among the groups gnomAD compares: South Asian, 0.012%; no homozygotes.

Submissions (2):

Women's Health and Genetics/Laboratory Corporation of America, LabCorp
Classification: Likely benign. Last evaluated: 2026-04-03. Review status: criteria provided, single submitter. Criteria: LabCorp Variant Classification Summary - May 2015. Collection method: clinical testing. Allele origin: germline.
Comment: Variant summary: SLC6A8 c.1602C>G (p.Ile534Met) results in a conservative amino acid change in the encoded protein sequence. Algorithms developed to predict the effect of missense changes on protein structure and function are either unavailable or do not agree on the potential impact of this missense change. The variant allele was found at a frequency of 2.7e-05 in 182533 control chromosomes (gnomAD), including hemizygous males, suggesting it is a benign polymorphism. To our knowledge, no occurrence of c.1602C>G in individuals affected with SLC6A8-related conditions and no experimental evidence demonstrating its impact on protein function have been reported. ClinVar contains an entry for this variant (Variation ID: 1118028). Based on the evidence outlined above, the variant was classified as likely benign.

Labcorp Genetics (formerly Invitae), Labcorp
Classification: Likely benign for Creatine transporter deficiency. Last evaluated: 2025-02-09. Review status: criteria provided, single submitter. Criteria: Invitae Variant Classification Sherloc (09022015). Collection method: clinical testing. Allele origin: germline.